The following is an entry in ClinVar:

NM_001429.4(EP300):c.211G>A (p.Val71Ile)

Gene: EP300 (EP300 lysine acetyltransferase; plus strand). Cytogenetic location: 22q13.2.
Variant type: single nucleotide variant.
Coding change: c.211G>A on transcript NM_001429.4 (MANE Select); coding-DNA position 211, G replaced by A.
Protein change: p.Val71Ile; replaces valine 71 with isoleucine.
Molecular consequence: missense variant.
Genome position (GRCh38, 1-based): chr22:41,117,303, G>A. VCF-style: chr22-41117303-G-A. GRCh37 (hg19) VCF-style: chr22-41513307-G-A.
Other names: c.211G>A, p.Val71Ile (NM_001362843.2); c.211G>A (NM_001429.3); short protein forms V71I.
Identifiers: ClinVar variation 3677503 (VCV003677503.3).

ClinVar aggregate classification (germline): Uncertain significance. Review status: criteria provided, multiple submitters, no conflicts (2 of 4 stars). 2 submissions from 2 submitters: Uncertain significance (2). Last evaluated 2025-10-30.

Conditions:
EP300-related disorder. Also called: EP300-related disorders; EP300-related condition.
Rubinstein-Taybi syndrome due to EP300 haploinsufficiency. Also called: EP300-Related Rubinstein-Taybi Syndrome; RUBINSTEIN-TAYBI SYNDROME 2. Identifiers: Orphanet 353284, Orphanet 783, MedGen C3150941, MONDO:0013364, OMIM 613684.

gnomAD v4.1: 1 of 1,614,180 alleles (0.000062%); highest among the groups gnomAD compares: Non-Finnish European, 0.000085%; no homozygotes.

Submissions (2):

PreventionGenetics, part of Exact Sciences
Classification: Uncertain significance for EP300-related condition. Last evaluated: 2025-10-30. Review status: criteria provided, single submitter. Criteria: ACMG Guidelines, 2015. Collection method: clinical testing. Allele origin: germline.
Comment: The EP300 c.211G>A variant is predicted to result in the amino acid substitution p.Val71Ile. To our knowledge, this variant has not been reported in the literature or in a large population database (gnomAD), indicating this variant is rare. At this time, the clinical significance of this variant is uncertain due to the absence of conclusive functional and genetic evidence.

Labcorp Genetics (formerly Invitae), Labcorp
Classification: Uncertain significance for Rubinstein-Taybi syndrome due to EP300 haploinsufficiency. Last evaluated: 2024-06-18. Review status: criteria provided, single submitter. Criteria: Invitae Variant Classification Sherloc (09022015). Collection method: clinical testing. Allele origin: germline.
Comment: This sequence change replaces valine, which is neutral and non-polar, with isoleucine, which is neutral and non-polar, at codon 71 of the EP300 protein (p.Val71Ile). This variant is not present in population databases (gnomAD no frequency). This variant has not been reported in the literature in individuals affected with EP300-related conditions. Advanced modeling of protein sequence and biophysical properties (such as structural, functional, and spatial information, amino acid conservation, physicochemical variation, residue mobility, and thermodynamic stability) performed at Invitae indicates that this missense variant is not expected to disrupt EP300 protein function with a negative predictive value of 95%. In summary, the available evidence is currently insufficient to determine the role of this variant in disease. Therefore, it has been classified as a Variant of Uncertain Significance.